The following is an entry in ClinVar:

NM_002618.4(PEX13):c.257G>A (p.Gly86Glu)

Gene: PEX13 (peroxisomal biogenesis factor 13; plus strand). Cytogenetic location: 2p15.
Variant type: single nucleotide variant.
Coding change: c.257G>A on transcript NM_002618.4 (MANE Select); coding-DNA position 257, G replaced by A.
Protein change: p.Gly86Glu; replaces glycine 86 with glutamic acid.
Molecular consequence: missense variant.
Genome position (GRCh38, 1-based): chr2:61,031,583, G>A. VCF-style: chr2-61031583-G-A. GRCh37 (hg19) VCF-style: chr2-61258718-G-A.
Other names: p.Gly86Glu; short protein forms G86E.
Identifiers: ClinVar variation 1693814 (VCV001693814.6), dbSNP rs752312334, ClinGen allele CA1673260.

ClinVar aggregate classification (germline): Uncertain significance. Review status: criteria provided, multiple submitters, no conflicts (2 of 4 stars). 2 submissions from 2 submitters: Uncertain significance (2). Last evaluated 2022-04-28.

Conditions:
Peroxisome biogenesis disorder 11A (Zellweger). Also called: Peroxisome biogenesis disorder 11A. Identifiers: Orphanet 912, MedGen C3554000, MONDO:0013949, OMIM 614883.

Allele frequency attached by ClinVar (database versions not stated): gnomAD exomes below 0.00001 and 0.00001; TOPMed below 0.00001; ExAC 0.00001; gnomAD 0.00001.
gnomAD v4.1: 7 of 1,613,996 alleles (0.00043%); highest among the groups gnomAD compares: Non-Finnish European, 0.00059%; no homozygotes.

Submissions (2):

Labcorp Genetics (formerly Invitae), Labcorp
Classification: Uncertain significance for Peroxisome biogenesis disorder 11A (Zellweger). Last evaluated: 2022-04-28. Review status: criteria provided, single submitter. Criteria: Invitae Variant Classification Sherloc (09022015). Collection method: clinical testing. Allele origin: germline.
Comment: This sequence change replaces glycine, which is neutral and non-polar, with glutamic acid, which is acidic and polar, at codon 86 of the PEX13 protein (p.Gly86Glu). This variant is present in population databases (rs752312334, gnomAD 0.002%). This variant has not been reported in the literature in individuals affected with PEX13-related conditions. Algorithms developed to predict the effect of missense changes on protein structure and function (SIFT, PolyPhen-2, Align-GVGD) all suggest that this variant is likely to be disruptive. In summary, the available evidence is currently insufficient to determine the role of this variant in disease. Therefore, it has been classified as a Variant of Uncertain Significance.

Mayo Clinic Laboratories, Mayo Clinic
Classification: Uncertain significance. Last evaluated: 2022-01-21. Review status: criteria provided, single submitter. Criteria: ACMG Guidelines, 2015. Collection method: clinical testing. Allele origin: germline.